The following is an entry in ClinVar:

NM_007215.4(POLG2):c.842A>G (p.Glu281Gly)

Genes: POLG2 (DNA polymerase gamma 2, accessory subunit; minus strand), MILR1 (mast cell immunoglobulin like receptor 1; plus strand). Cytogenetic location: 17q23.3.
Variant type: single nucleotide variant.
Coding change: c.842A>G on transcript NM_007215.4 (MANE Select); coding-DNA position 842, A replaced by G.
Protein change: p.Glu281Gly; replaces glutamic acid 281 with glycine.
Molecular consequence: missense variant.
Genome position (GRCh38, 1-based): chr17:64,490,923, T>C on the plus strand (A>G on the coding strand, the complement: POLG2 is on the minus strand). VCF-style: chr17-64490923-T-C. GRCh37 (hg19) VCF-style: chr17-62487040-T-C.
Other names: short protein forms E281G.
Identifiers: ClinVar variation 1721278 (VCV001721278.5), dbSNP rs2509545542, ClinGen allele CA400638675.

ClinVar aggregate classification (germline): Uncertain significance (1 of 4 stars; one submission).

Submission:

Labcorp Genetics (formerly Invitae), Labcorp
Classification: Uncertain significance. Last evaluated: 2022-07-21. Review status: criteria provided, single submitter. Criteria: Invitae Variant Classification Sherloc (09022015). Collection method: clinical testing. Allele origin: germline.
Comment: Algorithms developed to predict the effect of missense changes on protein structure and function (SIFT, PolyPhen-2, Align-GVGD) all suggest that this variant is likely to be tolerated. This variant has not been reported in the literature in individuals affected with POLG2-related conditions. This variant is not present in population databases (gnomAD no frequency). This sequence change replaces glutamic acid, which is acidic and polar, with glycine, which is neutral and non-polar, at codon 281 of the POLG2 protein (p.Glu281Gly). In summary, the available evidence is currently insufficient to determine the role of this variant in disease. Therefore, it has been classified as a Variant of Uncertain Significance.